The following is an entry in ClinVar:

NM_000171.4(GLRA1):c.585C>T (p.Ile195=)

Gene: GLRA1 (glycine receptor alpha 1; minus strand). Cytogenetic location: 5q33.1.
Variant type: single nucleotide variant.
Coding change: c.585C>T on transcript NM_000171.4 (MANE Select); coding-DNA position 585, C replaced by T.
Protein change: p.Ile195=; no amino-acid change (isoleucine 195 retained).
Molecular consequence: synonymous variant.
Genome position (GRCh38, 1-based): chr5:151,855,152, G>A on the plus strand (C>T on the coding strand, the complement: GLRA1 is on the minus strand). VCF-style: chr5-151855152-G-A. GRCh37 (hg19) VCF-style: chr5-151234713-G-A.
Other names: c.585C>T, p.Ile195= (NM_001146040.2); c.336C>T, p.Ile112= (NM_001292000.2).
Identifiers: ClinVar variation 906751 (VCV000906751.5), dbSNP rs370809444, ClinGen allele CA3523643.

ClinVar aggregate classification (germline): Likely benign. Review status: criteria provided, multiple submitters, no conflicts (2 of 4 stars). 2 submissions from 2 submitters: Likely benign (2). Last evaluated 2025-05-14.

Conditions:
Hereditary hyperekplexia. Identifiers: Orphanet 3197, MedGen C4084968, MONDO:0021022.
Hyperekplexia 1 (STHE). Also called: HYPEREKPLEXIA 1, AUTOSOMAL DOMINANT; HYPEREKPLEXIA 1, AUTOSOMAL RECESSIVE; EXAGGERATED STARTLE REACTION; KOK DISEASE; STARTLE DISEASE, FAMILIAL; STIFF-BABY SYNDROME. Identifiers: Orphanet 3197, MedGen C4551954, MONDO:0007868, OMIM 149400.

Allele frequency attached by ClinVar (database versions not stated): TOPMed 0.00001; ExAC 0.00005; ESP Exome Variant Server 0.00008.
gnomAD v4.1: 13 of 1,614,020 alleles (0.00081%); highest among the groups gnomAD compares: Non-Finnish European, 0.0011%; no homozygotes.

Submissions (2):

Labcorp Genetics (formerly Invitae), Labcorp
Classification: Likely benign for Hereditary hyperekplexia. Last evaluated: 2025-05-14. Review status: criteria provided, single submitter. Criteria: Invitae Variant Classification Sherloc (09022015). Collection method: clinical testing. Allele origin: germline.

Illumina Laboratory Services, Illumina
Classification: Likely benign for Hyperekplexia 1. Last evaluated: 2018-01-13. Review status: criteria provided, single submitter. Criteria: ICSL Variant Classification Criteria 13 December 2019. Collection method: clinical testing. Allele origin: germline.
Comment: This variant was observed in the ICSL laboratory as part of a predisposition screen in an ostensibly healthy population. It had not been previously curated by ICSL or reported in the Human Gene Mutation Database (HGMD: prior to June 1st, 2018), and was therefore a candidate for classification through an automated scoring system. Utilizing variant allele frequency, disease prevalence and penetrance estimates, and inheritance mode, an automated score was calculated to assess if this variant is too frequent to cause the disease. Based on the score and internal cut-off values, a variant classified as likely benign is not then subjected to further curation. The score for this variant resulted in a classification of likely benign for this disease.